The following is an entry in ClinVar:

ClinVar aggregate classification (germline): Uncertain significance. Review status: criteria provided, multiple submitters, no conflicts (2 of 4 stars). 2 submissions from 2 submitters: Uncertain significance (2). Last evaluated 2025-10-13.

Conditions:
Hereditary cancer-predisposing syndrome. Also called: Neoplastic Syndromes, Hereditary; Tumor predisposition; Hereditary neoplastic syndrome; Hereditary Cancer Syndrome. Identifiers: Orphanet 140162, MedGen C0027672, MeSH D009386, MONDO:0015356.
Breast-ovarian cancer, familial, susceptibility to, 2 (BROVCA2). Also called: BRCA2 Hereditary Breast and Ovarian Cancer. Identifiers: Orphanet 145, MedGen C2675520, MONDO:0012933, OMIM 612555. Disease mechanism: loss of function.

Submissions (2):

Dasa
Classification: Uncertain significance for Breast-ovarian cancer, familial, susceptibility to, 2. Last evaluated: 2025-10-13. Review status: criteria provided, single submitter. Criteria: DASA Assertion Criteria. Collection method: clinical testing. Allele origin: germline.
Comment: NM_000059.4(BRCA2):c.9860G>A (p.Cys3287Tyr) is a missense variant that results in the substitution of cysteine with tyrosine. This variant is absent from population databases. The currently available literature and clinical evidence are not sufficient to establish a definitive association between this variant and the reported condition. Therefore, this variant is classified as a variant of uncertain significance.

Ambry Genetics
Classification: Uncertain significance for Hereditary cancer-predisposing syndrome. Last evaluated: 2022-11-18. Review status: criteria provided, single submitter. Criteria: Ambry Variant Classification Scheme 2023. Collection method: clinical testing. Allele origin: germline.
Comment: The p.C3287Y variant (also known as c.9860G>A), located in coding exon 26 of the BRCA2 gene, results from a G to A substitution at nucleotide position 9860. The cysteine at codon 3287 is replaced by tyrosine, an amino acid with highly dissimilar properties. This amino acid position is well conserved in available vertebrate species. In addition, this alteration is predicted to be tolerated by in silico analysis. Since supporting evidence is limited at this time, the clinical significance of this alteration remains unclear.

NM_000059.4(BRCA2):c.9860G>A (p.Cys3287Tyr)

Gene: BRCA2 (BRCA2 DNA repair associated; plus strand). Cytogenetic location: 13q13.1.
Variant type: single nucleotide variant.
Coding change: c.9860G>A on transcript NM_000059.4 (MANE Select); coding-DNA position 9860, G replaced by A.
Protein change: p.Cys3287Tyr; replaces cysteine 3287 with tyrosine.
Molecular consequence: missense variant. On other transcripts: non-coding transcript variant (1).
Genome position (GRCh38, 1-based): chr13:32,398,373, G>A. VCF-style: chr13-32398373-G-A. GRCh37 (hg19) VCF-style: chr13-32972510-G-A.
Other names: c.9764G>A, p.Cys3255Tyr (NM_001406719.1); c.9809G>A, p.Cys3270Tyr (NM_001406720.1); c.4928G>A, p.Cys1643Tyr (NM_001406721.1); c.3443G>A, p.Cys1148Tyr (NM_001406722.1); short protein forms C3287Y, C1643Y, C1148Y, C3255Y, C3270Y.
Identifiers: ClinVar variation 2451480 (VCV002451480.4), dbSNP rs2137664467, ClinGen allele CA387766576.